The following is an entry in ClinVar:

NM_001190787.3(MCIDAS):c.1050C>G (p.Thr350=)

Gene: MCIDAS (multiciliate differentiation and DNA synthesis associated cell cycle protein; minus strand). Cytogenetic location: 5q11.2.
Variant type: single nucleotide variant.
Coding change: c.1050C>G on transcript NM_001190787.3 (MANE Select); coding-DNA position 1050, C replaced by G.
Protein change: p.Thr350=; no amino-acid change (threonine 350 retained).
Molecular consequence: synonymous variant.
Genome position (GRCh38, 1-based): chr5:55,220,474, G>C on the plus strand (C>G on the coding strand, the complement: MCIDAS is on the minus strand). VCF-style: chr5-55220474-G-C. GRCh37 (hg19) VCF-style: chr5-54516302-G-C.
Identifiers: ClinVar variation 525544 (VCV000525544.13), dbSNP rs751433727, ClinGen allele CA118981270.
Genomic context (GRCh38, chr5:55,220,474, plus strand): 5'-GGTGAAGGCATTGCCCTGGGGGAAGGCGAGGGTGCGGATGGTGCTGTGGCTGCGGATGCG[G>C]GTGCTGAAGGAGCCGCCCTCCTCCAGCTCACTGTGGCTCAGGTTCAACGCGCTCCGGCTG-3'
Protein context (NP_001177716.1, residues 340-360): SELEEGGSFS[Thr350=]RIRSHSTIRT

ClinVar aggregate classification (germline): Likely benign. Review status: criteria provided, multiple submitters, no conflicts (2 of 4 stars). 3 submissions from 3 submitters: Likely benign (2). 1 of the submissions does not count toward it. Last evaluated 2025-10-12.

Conditions:
MCIDAS-related disorder. Also called: MCIDAS-related condition.
Primary ciliary dyskinesia. Also called: Ciliary dyskinesia. Identifiers: Orphanet 244, MedGen C0008780, MONDO:0016575, HP:0012265.

Allele frequency attached by ClinVar (database versions not stated): TOPMed 0.00019; gnomAD 0.00021 and 0.00022.
gnomAD v4.1: 643 of 1,535,890 alleles (0.042%); highest among the groups gnomAD compares: Non-Finnish European, 0.052%; 3 homozygotes.

Submissions (3):

Labcorp Genetics (formerly Invitae), Labcorp
Classification: Likely benign for Primary ciliary dyskinesia. Last evaluated: 2025-10-12. Review status: criteria provided, single submitter. Criteria: Invitae Variant Classification Sherloc (09022015). Collection method: clinical testing. Allele origin: germline.

Blueprint Genetics
Classification: Likely benign. Last evaluated: 2024-11-25. Review status: criteria provided, single submitter. Criteria: ACMG Guidelines, 2015. Collection method: clinical testing. Allele origin: germline.

PreventionGenetics, part of Exact Sciences
Classification: Likely benign for MCIDAS-related condition. Last evaluated: 2023-06-26. Review status: no assertion criteria provided. Collection method: clinical testing. Allele origin: germline. Not counted in ClinVar's aggregate classification.
Comment: This variant is classified as likely benign based on ACMG/AMP sequence variant interpretation guidelines (Richards et al. 2015 PMID: 25741868, with internal and published modifications).